The following is an entry in ClinVar:

NM_000156.6(GAMT):c.8C>T (p.Ala3Val)

Genes: GAMT (guanidinoacetate N-methyltransferase; minus strand), LOC130062945 (ATAC-STARR-seq lymphoblastoid silent region 9707; plus strand). Cytogenetic location: 19p13.3.
Variant type: single nucleotide variant.
Coding change: c.8C>T on transcript NM_000156.6 (MANE Select); coding-DNA position 8, C replaced by T.
Protein change: p.Ala3Val; replaces alanine 3 with valine.
Molecular consequence: missense variant.
Genome position (GRCh38, 1-based): chr19:1,401,469, G>A on the plus strand (C>T on the coding strand, the complement: GAMT is on the minus strand). VCF-style: chr19-1401469-G-A. GRCh37 (hg19) VCF-style: chr19-1401468-G-A.
Other names: c.8C>T, p.Ala3Val (NM_138924.3); short protein forms A3V.
Identifiers: ClinVar variation 1063892 (VCV001063892.4), dbSNP rs1467893087, ClinGen allele CA402998540.

ClinVar aggregate classification (germline): Uncertain significance. Review status: criteria provided, multiple submitters, no conflicts (2 of 4 stars). 2 submissions from 2 submitters: Uncertain significance (2). Last evaluated 2021-09-01.

Conditions:
Inborn genetic diseases. Identifiers: MedGen C0950123, MeSH D030342.
Cerebral creatine deficiency syndrome. Also called: Creatine deficiency syndromes. Identifiers: Orphanet 79172, MedGen C5244016, MONDO:0000456.

Allele frequency attached by ClinVar (database versions not stated): gnomAD exomes below 0.00001 and 0.00004.

Submissions (2):

Labcorp Genetics (formerly Invitae), Labcorp
Classification: Uncertain significance for Cerebral creatine deficiency syndrome. Last evaluated: 2021-09-01. Review status: criteria provided, single submitter. Criteria: Invitae Variant Classification Sherloc (09022015). Collection method: clinical testing. Allele origin: germline.
Comment: This sequence change replaces alanine with valine at codon 3 of the GAMT protein (p.Ala3Val). The alanine residue is weakly conserved and there is a small physicochemical difference between alanine and valine. The frequency data for this variant in the population databases is considered unreliable, as metrics indicate insufficient coverage at this position in the ExAC database. This variant has not been reported in the literature in individuals affected with GAMT-related conditions. Algorithms developed to predict the effect of missense changes on protein structure and function (SIFT, PolyPhen-2, Align-GVGD) all suggest that this variant is likely to be tolerated. In summary, the available evidence is currently insufficient to determine the role of this variant in disease. Therefore, it has been classified as a Variant of Uncertain Significance.

Ambry Genetics
Classification: Uncertain significance for Inborn genetic diseases. Last evaluated: 2017-12-20. Review status: criteria provided, single submitter. Criteria: Ambry Variant Classification Scheme 2023. Collection method: clinical testing. Allele origin: germline.
Comment: The p.A3V variant (also known as c.8C>T), located in coding exon 1 of the GAMT gene, results from a C to T substitution at nucleotide position 8. The alanine at codon 3 is replaced by valine, an amino acid with similar properties. This amino acid position is not conserved on limited sequence alignment. In addition, the in silico prediction for this alteration is inconclusive. Since supporting evidence is limited at this time, the clinical significance of this alteration remains unclear.